The following is an entry in ClinVar:

NM_000179.3(MSH6):c.1329A>T (p.Gly443=)

Gene: MSH6 (mutS homolog 6; plus strand). Cytogenetic location: 2p16.3.
Variant type: single nucleotide variant.
Coding change: c.1329A>T on transcript NM_000179.3 (MANE Select); coding-DNA position 1329, A replaced by T.
Protein change: p.Gly443=; no amino-acid change (glycine 443 retained).
Molecular consequence: synonymous variant. On other transcripts: non-coding transcript variant (4), intron variant (1).
Genome position (GRCh38, 1-based): chr2:47,799,312, A>T. VCF-style: chr2-47799312-A-T. GRCh37 (hg19) VCF-style: chr2-48026451-A-T.
Other names: c.939A>T, p.Gly313= (NM_001281492.2); c.423A>T, p.Gly141= (NM_001281493.2, NM_001281494.2, NM_001406811.1 and 6 more transcripts); c.1425A>T, p.Gly475= (NM_001406795.1, NM_001406802.1); c.1329A>T, p.Gly443= (NM_001406796.1, NM_001406798.1, NM_001406800.1 and 4 more transcripts); c.1032A>T, p.Gly344= (NM_001406797.1, NM_001406801.1, NM_001406805.1 and 10 more transcripts); c.804A>T, p.Gly268= (NM_001406799.1, NM_001406806.1, NM_001406807.1); c.1251A>T, p.Gly417= (NM_001406804.1); c.1335A>T, p.Gly445= (NM_001406813.1); and 2 more.
Identifiers: ClinVar variation 3904520 (VCV003904520.1).

ClinVar aggregate classification (germline): Benign (1 of 4 stars; one submission).

Conditions:
Lynch syndrome 5 (LYNCH5). Also called: Colorectal cancer, hereditary nonpolyposis, type 5; Hereditary non-polyposis colorectal cancer, type 5. Identifiers: Orphanet 144, MedGen C1833477, MONDO:0013710, OMIM 614350. Disease mechanism: loss of function.

Submission:

Myriad Genetics, Inc.
Classification: Benign for Lynch syndrome 5. Last evaluated: 2024-12-26. Review status: criteria provided, single submitter. Criteria: Myriad Autosomal Dominant, Autosomal Recessive and X-Linked Classification Criteria (2023). Collection method: clinical testing. Allele origin: unknown.
Comment: This variant is considered benign. This variant is a silent/synonymous amino acid change and it is not expected to impact splicing.